The following is an entry in ClinVar:

NM_001035.3(RYR2):c.2188C>T (p.Leu730Phe)

Gene: RYR2 (ryanodine receptor 2; plus strand). Cytogenetic location: 1q43.
Variant type: single nucleotide variant.
Coding change: c.2188C>T on transcript NM_001035.3 (MANE Select); coding-DNA position 2188, C replaced by T.
Protein change: p.Leu730Phe; replaces leucine 730 with phenylalanine.
Molecular consequence: missense variant.
Genome position (GRCh38, 1-based): chr1:237,496,737, C>T. VCF-style: chr1-237496737-C-T. GRCh37 (hg19) VCF-style: chr1-237660037-C-T.
Other names: short protein forms L730F.
Identifiers: ClinVar variation 3071577 (VCV003071577.1), dbSNP rs766829251, ClinGen allele CA085966.

ClinVar aggregate classification (germline): Uncertain significance (1 of 4 stars; one submission).

Conditions:
Catecholaminergic polymorphic ventricular tachycardia (CVPT). Also called: Catecholamine-induced polymorphic ventricular tachycardia. Identifiers: Orphanet 3286, MedGen C5574922, MONDO:0017990.

Allele frequency attached by ClinVar (database versions not stated): ExAC 0.00002.
gnomAD v4.1: 5 of 1,613,688 alleles (0.00031%); highest among the groups gnomAD compares: Admixed American, 0.0067%; no homozygotes.

Submission:

All of Us Research Program, National Institutes of Health
Classification: Uncertain significance for Catecholaminergic polymorphic ventricular tachycardia. Last evaluated: 2023-11-02. Review status: criteria provided, single submitter. Criteria: ACMG Guidelines, 2015. Collection method: clinical testing. Allele origin: germline. Inheritance: Autosomal dominant inheritance. Observed: 3 variant alleles, 3 heterozygotes.
Comment: This missense variant replaces leucine with phenylalanine at codon 730 of the RYR2 protein. Computational prediction suggests that this variant may not impact protein structure and function (internally defined REVEL score threshold <= 0.5, PMID: 27666373). To our knowledge, functional studies have not been reported for this variant. This variant has not been reported in individuals affected with RYR2-related disorders in the literature. This variant has been identified in 4/248596 chromosomes in the general population by the Genome Aggregation Database (gnomAD). The available evidence is insufficient to determine the role of this variant in disease conclusively. Therefore, this variant is classified as a Variant of Uncertain Significance.

This study involves interpretation of variants in research participants for the purpose of population health screening. Participant phenotype was not available at the time of variant classification. Additional details can be found in publication PMID: 35346344, PMCID: PMC8962531